The following is an entry in ClinVar:

NM_000492.4(CFTR):c.2042A>T (p.Glu681Val)

Gene: CFTR (CF transmembrane conductance regulator; plus strand). Cytogenetic location: 7q31.2.
Variant type: single nucleotide variant.
Coding change: c.2042A>T on transcript NM_000492.4 (MANE Select); coding-DNA position 2042, A replaced by T.
Protein change: p.Glu681Val; replaces glutamic acid 681 with valine.
Molecular consequence: missense variant.
Genome position (GRCh38, 1-based): chr7:117,592,209, A>T. VCF-style: chr7-117592209-A-T. GRCh37 (hg19) VCF-style: chr7-117232263-A-T.
Other names: p.Glu681Val; short protein forms E681V.
Identifiers: ClinVar variation 287205 (VCV000287205.28), dbSNP rs201295415, ClinGen allele CA4451133.
Genomic context (GRCh38, chr7:117,592,209, plus strand): 5'-TCCTAACTGAGACCTTACACCGTTTCTCATTAGAAGGAGATGCTCCTGTCTCCTGGACAG[A>T]AACAAAAAAACAATCTTTTAAACAGACTGGAGAGTTTGGGGAAAAAAGGAAGAATTCTAT-3'
Protein context (NP_000483.3, residues 671-691): LEGDAPVSWT[Glu681Val]TKKQSFKQTG

ClinVar aggregate classification (germline): Conflicting classifications of pathogenicity. Review status: criteria provided, conflicting classifications (1 of 4 stars). 14 submissions from 14 submitters: Uncertain significance (12); Likely benign (1). 1 of the submissions does not count toward it. Last evaluated 2026-02-22.

Conditions:
CFTR-related disorder (CFTR-RD). Also called: CFTR-related condition; CFTR-related disorders. Identifiers: MedGen C5924204, MONDO:7770004.
Congenital bilateral aplasia of vas deferens from CFTR mutation (CBAVD). Identifiers: Orphanet 48, MedGen C0403814, MONDO:0010178, OMIM 277180. Disease mechanism: loss of function.
Bronchiectasis with or without elevated sweat chloride 1 (BESC1). Also called: Cystic Fibrosis-Like Syndrome. Identifiers: Orphanet 60033, MedGen C2749757, MONDO:0008887, OMIM 211400.
Hereditary pancreatitis (PCTT). Also called: Hereditary chronic pancreatitis; PRSS1-Related Hereditary Pancreatitis. Identifiers: Orphanet 676, MedGen C0238339, MONDO:0008185, OMIM 167800.
Cystic fibrosis (CF). Also called: MUCOVISCIDOSIS. Identifiers: Orphanet 586, MedGen C0010674, MONDO:0009061, OMIM 219700. Disease mechanism: loss of function.

Allele frequency attached by ClinVar (database versions not stated): 1000 Genomes Project 0.00020; gnomAD 0.00005 and 0.00008; gnomAD exomes 0.00006 and 0.00014; TOPMed 0.00009; ExAC 0.00014; 1000 Genomes Project 30x 0.00016.
gnomAD v4.1: 95 of 1,613,894 alleles (0.0059%); highest among the groups gnomAD compares: East Asian, 0.21%; no homozygotes.

Submissions (14):

PreventionGenetics, part of Exact Sciences
Classification: Uncertain significance for CFTR-related condition. Last evaluated: 2026-02-22. Review status: criteria provided, single submitter. Criteria: ACMG Guidelines, 2015. Collection method: clinical testing. Allele origin: germline.
Comment: The CFTR c.2042A>T variant is predicted to result in the amino acid substitution p.Glu681Val. This variant has been reported in the heterozygous state, along with a second variant is an individual with pancreatitis (Xiao et al. 2017. PubMed ID: 29173301), and another individual with congenital bilateral absence of vas deferens (Yuan et al. 2019. PubMed ID: 30811104). It has also been reported in two individuals with nontuberculous mycobacterial lung disease (Jang et al. 2013. PubMed ID: 23514810; Colombo et al. 2010. PubMed ID: 19858235), and in a healthy individual from a study of bronchiectasis (Guan et al. 2018. PubMed ID: 29997923). This variant is reported in 0.19% of alleles in individuals of East Asian descent in gnomAD and has conflicting classifications in ClinVar ranging from uncertain significance to likely benign (ClinVar ID: 287205). At this time, the clinical significance of this variant is uncertain due to the absence of conclusive functional and genetic evidence.

Mayo Clinic Laboratories, Mayo Clinic
Classification: Uncertain significance. Last evaluated: 2025-02-13. Review status: criteria provided, single submitter. Criteria: ACMG Guidelines, 2015. Collection method: clinical testing. Allele origin: germline. Observed: 1 variant allele.

ARUP Laboratories, Molecular Genetics and Genomics, ARUP Laboratories
Classification: Uncertain significance. Last evaluated: 2024-12-20. Review status: criteria provided, single submitter. Criteria: ARUP Molecular Germline Variant Investigation Process 2024. Collection method: clinical testing. Allele origin: germline.
Comment: The CFTR c.2042A>T; p.Glu681Val variant (rs201295415) is reported in the literature in individuals affected with nontuberculous mycobacteria infection, pancreatitis, nonobstructive azoospermia, congenital bilateral absence of the vas deferens, and cystic fibrosis (Colombo 2009, Jang 2013, Liu 2023, Xiao 2017, Yuan 2019). This variant is reported in ClinVar (Variation ID: 287205) and is found in the East Asian population with an allele frequency of 0.186% (37/19908 alleles) in the Genome Aggregation Database (v2.1.1). The glutamic acid at codon 681 is moderately conserved, but computational analyses are uncertain whether this variant is neutral or deleterious (REVEL: 0.621). Given the lack of clinical and functional data, the significance of this variant is uncertain at this time. References: Colombo RE et al. Familial clustering of pulmonary nontuberculous mycobacterial disease. Chest. 2010 Mar;137(3):629-34. PMID: 19858235. Jang MA et al. Association of CFTR gene variants with nontuberculous mycobacterial lung disease in a Korean population with a low prevalence of cystic fibrosis. J Hum Genet. 2013 May;58(5):298-303. PMID: 23514810. Liu YJ et al. Identification of risk genes in Chinese nonobstructive azoospermia patients based on whole-exome sequencing. Asian J Androl. 2023 Jan-Feb;25(1):66-72. PMID: 36259570. Xiao Y et al. Targeted Gene Next-Generation Sequencing in Chinese Children with Chronic Pancreatitis and Acute Recurrent Pancreatitis. J Pediatr. 2017 Dec;191:158-163.e3. PMID: 29173301. Yuan P et al. Expanding the phenotypic and genetic spectrum of Chinese patients with congenital absence of vas deferens bearing CFTR and ADGRG2 alleles. Andrology. 2019 May;7(3):329-340. PMID: 30811104.

Labcorp Genetics (formerly Invitae), Labcorp
Classification: Uncertain significance for Cystic fibrosis. Last evaluated: 2024-12-18. Review status: criteria provided, single submitter. Criteria: Invitae Variant Classification Sherloc (09022015). Collection method: clinical testing. Allele origin: germline.
Comment: This sequence change replaces glutamic acid, which is acidic and polar, with valine, which is neutral and non-polar, at codon 681 of the CFTR protein (p.Glu681Val). This variant is present in population databases (rs201295415, gnomAD 0.2%). This missense change has been observed in individual(s) with CFTR-related conditions (PMID: 29173301, 30811104, 34931337, 35858753). ClinVar contains an entry for this variant (Variation ID: 287205). Invitae Evidence Modeling of protein sequence and biophysical properties (such as structural, functional, and spatial information, amino acid conservation, physicochemical variation, residue mobility, and thermodynamic stability) indicates that this missense variant is not expected to disrupt CFTR protein function with a negative predictive value of 80%. Algorithms developed to predict the effect of sequence changes on RNA splicing suggest that this variant may create or strengthen a splice site. In summary, the available evidence is currently insufficient to determine the role of this variant in disease. Therefore, it has been classified as a Variant of Uncertain Significance.

Women's Health and Genetics/Laboratory Corporation of America, LabCorp
Classification: Uncertain significance. Last evaluated: 2024-10-23. Review status: criteria provided, single submitter. Criteria: LabCorp Variant Classification Summary - May 2015. Collection method: clinical testing. Allele origin: germline.
Comment: Variant summary: CFTR c.2042A>T (p.Glu681Val) results in a non-conservative amino acid change located in the CFTR regulator domain (IPR025837) of the encoded protein sequence. Five of five in-silico tools predict a damaging effect of the variant on protein function. The variant allele was found at a frequency of 0.00014 in 249118 control chromosomes. This frequency is not significantly higher than estimated for a pathogenic variant in CFTR causing Cystic Fibrosis (0.00014 vs 0.013), allowing no conclusion about variant significance. c.2042A>T has been reported in the literature in individuals affected with nontuberculous mycobacteria (NTM) infection, pancreatitits, nonobstructive azoospermia, CBAVD (Congenital bilateral absence of the vas deferens), and cystic fibrosis (e.g., Colombo_2009, Guan_2018, Jang_2013, Liu_2023, Shen_2022, Xiao_2017, Yuan_2019). These report(s) do not provide unequivocal conclusions about association of the variant with Cystic Fibrosis. The following publications have been ascertained in the context of this evaluation (PMID: 19858235, 29997923, 23514810, 36259570, 35858753, 29173301, 30811104). To our knowledge, no experimental evidence demonstrating an impact on protein function has been reported. ClinVar contains an entry for this variant (Variation ID: 287205). Based on the evidence outlined above, the variant was classified as uncertain significance.

Blueprint Genetics
Classification: Uncertain significance. Last evaluated: 2024-05-06. Review status: criteria provided, single submitter. Criteria: ACMG Guidelines, 2015. Collection method: clinical testing. Allele origin: germline.

Department of Pathology and Laboratory Medicine, Sinai Health System
Classification: Uncertain significance for Congenital bilateral aplasia of vas deferens from CFTR mutation; Cystic fibrosis; Hereditary pancreatitis; Bronchiectasis with or without elevated sweat chloride 1. Last evaluated: 2023-01-13. Review status: criteria provided, single submitter. Criteria: ACMG Guidelines, 2015. Collection method: research. Allele origin: germline.

Ambry Genetics
Classification: Likely benign for Cystic fibrosis. Last evaluated: 2022-11-10. Review status: criteria provided, single submitter. Criteria: Ambry Variant Classification Scheme 2023. Collection method: clinical testing. Allele origin: germline.

Fulgent Genetics
Classification: Uncertain significance for Hereditary pancreatitis; Bronchiectasis with or without elevated sweat chloride 1; Cystic fibrosis; Congenital bilateral aplasia of vas deferens from CFTR mutation. Last evaluated: 2022-02-17. Review status: criteria provided, single submitter. Criteria: ACMG Guidelines, 2015. Collection method: clinical testing. Allele origin: unknown.

Genome-Nilou Lab
Classification: Uncertain significance for Cystic fibrosis. Last evaluated: 2021-09-05. Review status: criteria provided, single submitter. Criteria: ACMG Guidelines, 2015. Collection method: clinical testing. Allele origin: germline. Affected: no.

Quest Diagnostics Nichols Institute San Juan Capistrano
Classification: Uncertain significance. Last evaluated: 2021-04-22. Review status: criteria provided, single submitter. Criteria: Quest Diagnostics criteria. Collection method: clinical testing. Allele origin: unknown.

Eurofins Ntd Llc (ga)
Classification: Uncertain significance. Last evaluated: 2016-03-25. Review status: criteria provided, single submitter. Criteria: EGL Classification Definitions 2015. Collection method: clinical testing. Allele origin: germline. Observed: 2 variant alleles, 2 heterozygotes.

Juno Genomics, Hangzhou Juno Genomics, Inc
Classification: Uncertain significance for Bronchiectasis with or without elevated sweat chloride 1; Hereditary pancreatitis; Congenital bilateral aplasia of vas deferens from CFTR mutation; Cystic fibrosis. Review status: criteria provided, single submitter. Criteria: ACMG Guidelines, 2015. Collection method: clinical testing. Allele origin: germline.
Comment: Multiple lines of computational evidence support a deleterious effect on the gene or gene product.;Patient's phenotype or family history is highly specific for a disease with a single genetic etiology.

Natera, Inc.
Classification: Uncertain significance for Cystic Fibrosis. Last evaluated: 2018-04-23. Review status: no assertion criteria provided. Collection method: clinical testing. Allele origin: germline. Not counted in ClinVar's aggregate classification.

Literature cited by the submitters: PubMed 18703788 (cited by 3 submitters); PubMed 19858235 (cited by 3 submitters); PubMed 23514810 (cited by 5 submitters); PubMed 29173301 (cited by 5 submitters); PubMed 29997923 (cited by 4 submitters); PubMed 30811104 (cited by 5 submitters); PubMed 32777524 (cited by Mayo Clinic Laboratories, Mayo Clinic); PubMed 34931337 (cited by Mayo Clinic Laboratories, Mayo Clinic and Labcorp Genetics (formerly Invitae), Labcorp); PubMed 35313924 (cited by Mayo Clinic Laboratories, Mayo Clinic); PubMed 35858753 (cited by 3 submitters); PubMed 35913788 (cited by Mayo Clinic Laboratories, Mayo Clinic); PubMed 36259570 (cited by Mayo Clinic Laboratories, Mayo Clinic and Women's Health and Genetics/Laboratory Corporation of America, LabCorp).